The following is an entry in ClinVar:

NM_052905.4(FMNL2):c.2928G>T (p.Arg976=)

Gene: FMNL2 (formin like 2; plus strand). Cytogenetic location: 2q23.3.
Variant type: single nucleotide variant.
Coding change: c.2928G>T on transcript NM_052905.4 (MANE Select); coding-DNA position 2928, G replaced by T.
Protein change: p.Arg976=; no amino-acid change (arginine 976 retained).
Molecular consequence: synonymous variant.
Genome position (GRCh38, 1-based): chr2:152,637,656, G>T. VCF-style: chr2-152637656-G-T. GRCh37 (hg19) VCF-style: chr2-153494170-G-T.
Identifiers: ClinVar variation 2651439 (VCV002651439.24), dbSNP rs374183349, ClinGen allele CA1914109.

ClinVar aggregate classification (germline): Likely benign (1 of 4 stars; one submission).

Allele frequency attached by ClinVar (database versions not stated): ExAC 0.00007; gnomAD 0.00012; gnomAD exomes 0.00016; ESP Exome Variant Server 0.00017.
gnomAD v4.1: 251 of 1,613,794 alleles (0.016%); highest among the groups gnomAD compares: Admixed American, 0.038%; no homozygotes.

Submission:

CeGaT Center for Human Genetics Tuebingen
Classification: Likely benign. Last evaluated: 2022-07-01. Review status: criteria provided, single submitter. Criteria: CeGaT Center For Human Genetics Tuebingen Variant Classification Criteria Version 2. Collection method: clinical testing. Allele origin: germline. Affected: yes. Observed: 1 variant allele.
Comment: FMNL2: BP4, BP7